The following is an entry in ClinVar:

ClinVar aggregate classification (germline): Likely benign (0 of 4 stars; one submission).

Conditions:
PLXNA2-related disorder. Also called: PLXNA2-related condition.

gnomAD v4.1: 6 of 1,577,226 alleles (0.00038%); highest among the groups gnomAD compares: African/African-American, 0.0081%; no homozygotes.

Submission:

PreventionGenetics, part of Exact Sciences
Classification: Likely benign for PLXNA2-related condition. Last evaluated: 2023-02-28. Review status: no assertion criteria provided. Collection method: clinical testing. Allele origin: germline.
Comment: This variant is classified as likely benign based on ACMG/AMP sequence variant interpretation guidelines (Richards et al. 2015 PMID: 25741868, with internal and published modifications).

NM_025179.4(PLXNA2):c.2397C>G (p.Val799=)

Gene: PLXNA2 (plexin A2; minus strand). Cytogenetic location: 1q32.2.
Variant type: single nucleotide variant.
Coding change: c.2397C>G on transcript NM_025179.4 (MANE Select); coding-DNA position 2397, C replaced by G.
Protein change: p.Val799=; no amino-acid change (valine 799 retained).
Molecular consequence: synonymous variant.
Genome position (GRCh38, 1-based): chr1:208,079,449, G>C on the plus strand (C>G on the coding strand, the complement: PLXNA2 is on the minus strand). VCF-style: chr1-208079449-G-C. GRCh37 (hg19) VCF-style: chr1-208252794-G-C.
Identifiers: ClinVar variation 3355647 (VCV003355647.1).
Genomic context (GRCh38, chr1:208,079,449, plus strand): 5'-CCGGTCGGCCTTGAGGCAGAGGCCGCAGCTCTCCCGCTGGGCTGCACACTTGTAGAGATG[G>C]ACTGCAAAGAGAGCAGGTGGTCACAGATGAAACCAGAAAGGGCTGCTCACAATGCACCCT-3'
Protein context (NP_079455.3, residues 789-809): FIIDNPQDLK[Val799=]HLYKCAAQRE